The following is an entry in ClinVar:

ClinVar aggregate classification (germline): Uncertain significance (1 of 4 stars; one submission).

Conditions:
IFT172-related disorder. Also called: IFT172-related disorders; IFT172-related condition.

Submission:

PreventionGenetics, part of Exact Sciences
Classification: Uncertain significance for IFT172-related condition. Last evaluated: 2026-06-28. Review status: criteria provided, single submitter. Criteria: ACMG Guidelines, 2015. Collection method: clinical testing. Allele origin: germline.
Comment: The IFT172 c.3155A>G variant is predicted to result in the amino acid substitution p.Tyr1052Cys. To our knowledge, this variant has not been reported in the literature or in a large population database (gnomAD), indicating this variant is rare. At this time, the clinical significance of this variant is uncertain due to the absence of conclusive functional and genetic evidence.

NM_015662.3(IFT172):c.3155A>G (p.Tyr1052Cys)

Gene: IFT172 (intraflagellar transport 172; minus strand). Cytogenetic location: 2p23.3.
Variant type: single nucleotide variant.
Coding change: c.3155A>G on transcript NM_015662.3 (MANE Select); coding-DNA position 3155, A replaced by G.
Protein change: p.Tyr1052Cys; replaces tyrosine 1052 with cysteine.
Molecular consequence: missense variant.
Genome position (GRCh38, 1-based): chr2:27,457,712, T>C on the plus strand (A>G on the coding strand, the complement: IFT172 is on the minus strand). VCF-style: chr2-27457712-T-C. GRCh37 (hg19) VCF-style: chr2-27680579-T-C.
Other names: c.3089A>G, p.Tyr1030Cys (NM_001410739.1); short protein forms Y1030C, Y1052C.
Identifiers: ClinVar variation 4989787 (VCV004989787.1).